The following is an entry in ClinVar:

NM_001211.6(BUB1B):c.868C>A (p.Pro290Thr)

Gene: BUB1B (BUB1 mitotic checkpoint serine/threonine kinase B; plus strand). Cytogenetic location: 15q15.1.
Variant type: single nucleotide variant.
Coding change: c.868C>A on transcript NM_001211.6 (MANE Select); coding-DNA position 868, C replaced by A.
Protein change: p.Pro290Thr; replaces proline 290 with threonine.
Molecular consequence: missense variant.
Genome position (GRCh38, 1-based): chr15:40,185,281, C>A. VCF-style: chr15-40185281-C-A. GRCh37 (hg19) VCF-style: chr15-40477482-C-A.
Other names: short protein forms P290T.
Identifiers: ClinVar variation 842245 (VCV000842245.13), dbSNP rs1411048840, ClinGen allele CA391684450.

ClinVar aggregate classification (germline): Uncertain significance. Review status: criteria provided, multiple submitters, no conflicts (2 of 4 stars). 2 submissions from 2 submitters: Uncertain significance (2). Last evaluated 2022-01-31.

Conditions:
Inborn genetic diseases. Identifiers: MedGen C0950123, MeSH D030342.
Mosaic variegated aneuploidy syndrome 1 (MVA1). Also called: Warburton-Anyane-Yeboa syndrome. Identifiers: Orphanet 1052, MedGen C1850343, MONDO:0009759, OMIM 257300.

Submissions (2):

Ambry Genetics
Classification: Uncertain significance for Inborn genetic diseases. Last evaluated: 2022-01-31. Review status: criteria provided, single submitter. Criteria: Ambry Variant Classification Scheme 2023. Collection method: clinical testing. Allele origin: germline.
Comment: The p.P290T variant (also known as c.868C>A), located in coding exon 7 of the BUB1B gene, results from a C to A substitution at nucleotide position 868. The proline at codon 290 is replaced by threonine, an amino acid with highly similar properties. This amino acid position is conserved. In addition, this alteration is predicted to be tolerated by in silico analysis. Since supporting evidence is limited at this time, the clinical significance of this alteration remains unclear.

Labcorp Genetics (formerly Invitae), Labcorp
Classification: Uncertain significance for Mosaic variegated aneuploidy syndrome 1. Last evaluated: 2019-02-25. Review status: criteria provided, single submitter. Criteria: Invitae Variant Classification Sherloc (09022015). Collection method: clinical testing. Allele origin: germline.
Comment: In summary, the available evidence is currently insufficient to determine the role of this variant in disease. Therefore, it has been classified as a Variant of Uncertain Significance. Algorithms developed to predict the effect of missense changes on protein structure and function (SIFT, PolyPhen-2, Align-GVGD) all suggest that this variant is likely to be tolerated, but these predictions have not been confirmed by published functional studies and their clinical significance is uncertain. This variant has not been reported in the literature in individuals with BUB1B-related conditions. This variant is not present in population databases (ExAC no frequency). This sequence change replaces proline with threonine at codon 290 of the BUB1B protein (p.Pro290Thr). The proline residue is weakly conserved and there is a small physicochemical difference between proline and threonine.